The following is an entry in ClinVar:

ClinVar aggregate classification (germline): Uncertain significance. Review status: criteria provided, multiple submitters, no conflicts (2 of 4 stars). 2 submissions from 2 submitters: Uncertain significance (2). Last evaluated 2025-08-12.

Conditions:
Hereditary cancer-predisposing syndrome. Also called: Neoplastic Syndromes, Hereditary; Tumor predisposition; Hereditary neoplastic syndrome; Hereditary Cancer Syndrome. Identifiers: Orphanet 140162, MedGen C0027672, MeSH D009386, MONDO:0015356.
Familial adenomatous polyposis 1 (FAP1). Also called: FAMILIAL ADENOMATOUS POLYPOSIS 1, ATTENUATED; POLYPOSIS, ADENOMATOUS INTESTINAL. Identifiers: MedGen C2713442, MONDO:0021056, OMIM 175100. Disease mechanism: loss of function.

Submissions (2):

Ambry Genetics
Classification: Uncertain significance for Hereditary cancer-predisposing syndrome. Last evaluated: 2025-08-12. Review status: criteria provided, single submitter. Criteria: Ambry Variant Classification Scheme 2023. Collection method: clinical testing. Allele origin: germline.
Comment: The p.G275D variant (also known as c.824G>A), located in coding exon 7 of the APC gene, results from a G to A substitution at nucleotide position 824. The glycine at codon 275 is replaced by aspartic acid, an amino acid with similar properties. This amino acid position is well conserved in available vertebrate species. In addition, in silico predictors for this gene do not accurately predict pathogenicity. Missense alterations in APC are not a common cause of disease (Spier I et al. Genet Med. 2024 Feb;26(2):100992). Based on the available evidence, the clinical significance of this variant remains unclear.

Labcorp Genetics (formerly Invitae), Labcorp
Classification: Uncertain significance for Familial adenomatous polyposis 1. Last evaluated: 2020-02-04. Review status: criteria provided, single submitter. Criteria: Invitae Variant Classification Sherloc (09022015). Collection method: clinical testing. Allele origin: germline.
Comment: In summary, the available evidence is currently insufficient to determine the role of this variant in disease. Therefore, it has been classified as a Variant of Uncertain Significance. Algorithms developed to predict the effect of missense changes on protein structure and function (SIFT, PolyPhen-2, Align-GVGD) all suggest that this variant is likely to be tolerated, but these predictions have not been confirmed by published functional studies and their clinical significance is uncertain. This variant has not been reported in the literature in individuals with APC-related disease. This variant is not present in population databases (ExAC no frequency). This sequence change replaces glycine with aspartic acid at codon 275 of the APC protein (p.Gly275Asp). The glycine residue is moderately conserved and there is a moderate physicochemical difference between glycine and aspartic acid.

NM_000038.6(APC):c.824G>A (p.Gly275Asp)

Gene: APC (APC regulator of Wnt signaling pathway; plus strand). Cytogenetic location: 5q22.2.
Variant type: single nucleotide variant.
Coding change: c.824G>A on transcript NM_000038.6 (MANE Select); coding-DNA position 824, G replaced by A.
Protein change: p.Gly275Asp; replaces glycine 275 with aspartic acid.
Molecular consequence: missense variant. On other transcripts: 5 prime UTR variant (1).
Genome position (GRCh38, 1-based): chr5:112,801,373, G>A. VCF-style: chr5-112801373-G-A. GRCh37 (hg19) VCF-style: chr5-112137070-G-A.
Other names: c.749G>A, p.Gly250Asp (NM_001354898.2, NM_001354904.2); c.740G>A, p.Gly247Asp (NM_001354899.2); c.647G>A, p.Gly216Asp (NM_001354900.2, NM_001354901.2, NM_001354905.2); c.854G>A, p.Gly285Asp (NM_001354902.2, NM_001354897.2); c.824G>A, p.Gly275Asp (NM_001127510.3, NM_001354895.2, NM_001354896.2 and 1 more transcripts); c.770G>A, p.Gly257Asp (NM_001127511.3); c.-212G>A (NM_001354906.2); short protein forms G247D, G275D, G285D, G216D, G250D, G257D.
Identifiers: ClinVar variation 663801 (VCV000663801.11), dbSNP rs1580455490, ClinGen allele CA16023129.